The following is an entry in ClinVar:

NM_004787.4(SLIT2):c.3270C>A (p.His1090Gln)

Gene: SLIT2 (slit guidance ligand 2; plus strand). Cytogenetic location: 4p15.31.
Variant type: single nucleotide variant.
Coding change: c.3270C>A on transcript NM_004787.4 (MANE Select); coding-DNA position 3270, C replaced by A.
Protein change: p.His1090Gln; replaces histidine 1090 with glutamine.
Molecular consequence: missense variant.
Genome position (GRCh38, 1-based): chr4:20,595,784, C>A. VCF-style: chr4-20595784-C-A. GRCh37 (hg19) VCF-style: chr4-20597407-C-A.
Other names: c.3258C>A, p.His1086Gln (NM_001289135.3); c.3246C>A, p.His1082Gln (NM_001289136.3); short protein forms H1082Q, H1086Q, H1090Q.
Identifiers: ClinVar variation 3614396 (VCV003614396.2).

ClinVar aggregate classification (germline): Uncertain significance (1 of 4 stars; one submission).

gnomAD v4.1: 2 of 1,614,130 alleles (0.00012%); highest among the groups gnomAD compares: Non-Finnish European, 0.00017%; no homozygotes.

Submission:

Labcorp Genetics (formerly Invitae), Labcorp
Classification: Uncertain significance. Last evaluated: 2024-03-02. Review status: criteria provided, single submitter. Criteria: Invitae Variant Classification Sherloc (09022015). Collection method: clinical testing. Allele origin: germline.
Comment: This sequence change replaces histidine, which is basic and polar, with glutamine, which is neutral and polar, at codon 1090 of the SLIT2 protein (p.His1090Gln). This variant is present in population databases (no rsID available, gnomAD 0.0009%). This variant has not been reported in the literature in individuals affected with SLIT2-related conditions. An algorithm developed to predict the effect of missense changes on protein structure and function (PolyPhen-2) suggests that this variant is likely to be tolerated. In summary, the available evidence is currently insufficient to determine the role of this variant in disease. Therefore, it has been classified as a Variant of Uncertain Significance.